The following is an entry in ClinVar:

NM_007078.3(LDB3):c.158A>G (p.Asp53Gly)

Gene: LDB3 (LIM domain binding 3; plus strand). Cytogenetic location: 10q23.2.
Variant type: single nucleotide variant.
Coding change: c.158A>G on transcript NM_007078.3 (MANE Select); coding-DNA position 158, A replaced by G.
Protein change: p.Asp53Gly; replaces aspartic acid 53 with glycine.
Molecular consequence: missense variant.
Genome position (GRCh38, 1-based): chr10:86,679,431, A>G. VCF-style: chr10-86679431-A-G. GRCh37 (hg19) VCF-style: chr10-88439188-A-G.
Other names: c.158A>G, p.Asp53Gly (NM_001080114.2, NM_001080115.2, NM_001080116.1 and 8 more transcripts); c.158A>G (NM_007078.2); short protein forms D53G.
Identifiers: ClinVar variation 1518211 (VCV001518211.9), dbSNP rs935307586, ClinGen allele CA211209322.
Genomic context (GRCh38, chr10:86,679,431, plus strand): 5'-CACCAGGCAGCAAGGCAGCCCAGTCCCAGCTCAGCCAGGGTGACCTCGTGGTGGCCATTG[A>G]CGGCGTCAACACAGACACCATGACCCACCTGGAAGCCCAGAACAAGATCAAGTCTGCCAG-3'
Protein context (NP_009009.1, residues 43-63): LSQGDLVVAI[Asp53Gly]GVNTDTMTHL

ClinVar aggregate classification (germline): Uncertain significance. Review status: criteria provided, multiple submitters, no conflicts (2 of 4 stars). 2 submissions from 2 submitters: Uncertain significance (2). Last evaluated 2024-03-22.

Conditions:
Myofibrillar myopathy 4. Also called: Zaspopathy (type). Identifiers: Orphanet 98912, MedGen C4721886, MONDO:0012277, OMIM 609452.
Cardiovascular phenotype. Identifiers: MedGen CN230736.

Allele frequency attached by ClinVar (database versions not stated): TOPMed below 0.00001; gnomAD 0.00001; gnomAD exomes 0.00001.
gnomAD v4.1: 13 of 1,613,966 alleles (0.00081%); highest among the groups gnomAD compares: Middle Eastern, 0.016%; no homozygotes.

Submissions (2):

Ambry Genetics
Classification: Uncertain significance for Cardiovascular phenotype. Last evaluated: 2024-03-22. Review status: criteria provided, single submitter. Criteria: Ambry Variant Classification Scheme 2023. Collection method: clinical testing. Allele origin: germline.
Comment: The p.D53G variant (also known as c.158A>G), located in coding exon 2 of the LDB3 gene, results from an A to G substitution at nucleotide position 158. The aspartic acid at codon 53 is replaced by glycine, an amino acid with similar properties. This amino acid position is conserved. In addition, the in silico prediction for this alteration is inconclusive. Based on the available evidence, the clinical significance of this alteration remains unclear.

Labcorp Genetics (formerly Invitae), Labcorp
Classification: Uncertain significance for Myofibrillar myopathy 4. Last evaluated: 2023-02-17. Review status: criteria provided, single submitter. Criteria: Invitae Variant Classification Sherloc (09022015). Collection method: clinical testing. Allele origin: germline.
Comment: This sequence change replaces aspartic acid, which is acidic and polar, with glycine, which is neutral and non-polar, at codon 53 of the LDB3 protein (p.Asp53Gly). This variant is not present in population databases (gnomAD no frequency). This variant has not been reported in the literature in individuals affected with LDB3-related conditions. ClinVar contains an entry for this variant (Variation ID: 1518211). An algorithm developed to predict the effect of missense changes on protein structure and function (PolyPhen-2) suggests that this variant is likely to be disruptive. In summary, the available evidence is currently insufficient to determine the role of this variant in disease. Therefore, it has been classified as a Variant of Uncertain Significance.